The following is an entry in ClinVar:

ClinVar aggregate classification (germline): Uncertain significance. Review status: criteria provided, multiple submitters, no conflicts (2 of 4 stars). 3 submissions from 3 submitters: Uncertain significance (2). 1 of the submissions does not count toward it. Last evaluated 2025-12-11.

Conditions:
Dyskeratosis congenita, autosomal dominant 6 (DKCA6). Identifiers: Orphanet 3322, MedGen C4225284, MONDO:0014690, OMIM 616553.
Inborn genetic diseases. Identifiers: MedGen C0950123, MeSH D030342.

Allele frequency attached by ClinVar (database versions not stated): gnomAD 0.00001; gnomAD exomes 0.00001; TOPMed 0.00002; ExAC 0.00003; ESP Exome Variant Server 0.00008.

Submissions (3):

Labcorp Genetics (formerly Invitae), Labcorp
Classification: Uncertain significance for Dyskeratosis congenita, autosomal dominant 6. Last evaluated: 2025-12-11. Review status: criteria provided, single submitter. Criteria: Invitae Variant Classification Sherloc (09022015). Collection method: clinical testing. Allele origin: germline.
Comment: This sequence change replaces arginine, which is basic and polar, with histidine, which is basic and polar, at codon 437 of the ACD protein (p.Arg437His). This variant is present in population databases (rs370293582, gnomAD 0.003%). This variant has not been reported in the literature in individuals affected with ACD-related conditions. ClinVar contains an entry for this variant (Variation ID: 937272). Invitae Evidence Modeling of protein sequence and biophysical properties (such as structural, functional, and spatial information, amino acid conservation, physicochemical variation, residue mobility, and thermodynamic stability) indicates that this missense variant is not expected to disrupt ACD protein function with a negative predictive value of 80%. In summary, the available evidence is currently insufficient to determine the role of this variant in disease. Therefore, it has been classified as a Variant of Uncertain Significance.

Ambry Genetics
Classification: Uncertain significance for Inborn genetic diseases. Last evaluated: 2023-10-28. Review status: criteria provided, single submitter. Criteria: Ambry Variant Classification Scheme 2023. Collection method: clinical testing. Allele origin: germline.
Comment: The p.R437H variant (also known as c.1310G>A), located in coding exon 10 of the ACD gene, results from a G to A substitution at nucleotide position 1310. The arginine at codon 437 is replaced by histidine, an amino acid with highly similar properties. This amino acid position is conserved. In addition, this alteration is predicted to be tolerated by in silico analysis. Since supporting evidence is limited at this time, the clinical significance of this alteration remains unclear.

Genetic Services Laboratory, University of Chicago
Classification: Uncertain significance. Last evaluated: 2022-12-08. Review status: no assertion criteria provided. Collection method: clinical testing. Allele origin: germline. Affected: no. Not counted in ClinVar's aggregate classification.
Comment: DNA sequence analysis of the ACD gene demonstrated a sequence change, c.1052G>A, in exon 10 that results in an amino acid change, p.Arg351His. This sequence change does not appear to have been previously described in individuals with ACD-related disorders. This sequence change has been described in the gnomAD database with a global frequency of 0.0012% (dbSNP rs370293582). The p.Arg351His change affects a poorly conserved amino acid residue located in a domain of the ACD protein that is not known to be functional. The p.Arg351His substitution appears to be benign using several in-silico pathogenicity prediction tools (SIFT, Align GVGD, REVEL). Due to insufficient evidences and the lack of functional studies, the clinical significance of the p.Arg351His change remains unknown at this time.

NM_001082486.2(ACD):c.1052G>A (p.Arg351His)

Gene: ACD (ACD shelterin complex subunit and telomerase recruitment factor; minus strand). Cytogenetic location: 16q22.1.
Variant type: single nucleotide variant.
Coding change: c.1052G>A on transcript NM_001082486.2 (MANE Select); coding-DNA position 1052, G replaced by A.
Protein change: p.Arg351His; replaces arginine 351 with histidine.
Molecular consequence: missense variant.
Genome position (GRCh38, 1-based): chr16:67,658,140, C>T on the plus strand (G>A on the coding strand, the complement: ACD is on the minus strand). VCF-style: chr16-67658140-C-T. GRCh37 (hg19) VCF-style: chr16-67692043-C-T.
Other names: c.1043G>A, p.Arg348His (NM_022914.3); short protein forms R348H, R351H.
Identifiers: ClinVar variation 937272 (VCV000937272.12), dbSNP rs370293582, ClinGen allele CA8114451.